The following is an entry in ClinVar:

ClinVar aggregate classification (germline): Uncertain significance (1 of 4 stars; one submission).

Conditions:
Alstrom syndrome (ALMS). Identifiers: Orphanet 64, MedGen C0268425, MONDO:0008763, OMIM 203800.

Submission:

Labcorp Genetics (formerly Invitae), Labcorp
Classification: Uncertain significance for Alstrom syndrome. Last evaluated: 2017-05-16. Review status: criteria provided, single submitter. Criteria: Invitae Variant Classification Sherloc (09022015). Collection method: clinical testing. Allele origin: germline.
Comment: Algorithms developed to predict the effect of missense changes on protein structure and function output the following: SIFT: "Tolerated"; PolyPhen-2: "Possibly Damaging"; Align-GVGD: "Class C0". The alanine amino acid residue is found in multiple mammalian species, suggesting that this missense change does not adversely affect protein function. These predictions have not been confirmed by published functional studies. This sequence change replaces threonine with alanine at codon 1024 of the ALMS1 protein (p.Thr1024Ala). The threonine residue is weakly conserved and there is a small physicochemical difference between threonine and alanine. In summary, this variant is a novel missense change that is not predicted to affect protein function. There is no indication that it causes disease, but the available evidence is currently insufficient to prove that conclusively. Therefore, it has been classified as a Variant of Uncertain Significance. This variant is not present in population databases (ExAC no frequency) and has not been reported in the literature in individuals with a ALMS1-related disease.

NM_001378454.1(ALMS1):c.3067A>G (p.Thr1023Ala)

Gene: ALMS1 (ALMS1 centrosome and basal body associated protein; plus strand). Cytogenetic location: 2p13.1.
Variant type: single nucleotide variant.
Coding change: c.3067A>G on transcript NM_001378454.1 (MANE Select); coding-DNA position 3067, A replaced by G.
Protein change: p.Thr1023Ala; replaces threonine 1023 with alanine.
Molecular consequence: missense variant.
Genome position (GRCh38, 1-based): chr2:73,449,594, A>G. VCF-style: chr2-73449594-A-G. GRCh37 (hg19) VCF-style: chr2-73676721-A-G.
Other names: c.3070A>G, p.Thr1024Ala (NM_015120.4); short protein forms T1024A, T1023A.
Identifiers: ClinVar variation 459863 (VCV000459863.7), dbSNP rs1553403605, ClinGen allele CA347273669.